The following is an entry in ClinVar:

NM_032043.3(BRIP1):c.2537A>C (p.Asp846Ala)

Gene: BRIP1 (BRCA1 interacting DNA helicase 1; minus strand). Cytogenetic location: 17q23.2.
Variant type: single nucleotide variant.
Coding change: c.2537A>C on transcript NM_032043.3 (MANE Select); coding-DNA position 2537, A replaced by C.
Protein change: p.Asp846Ala; replaces aspartic acid 846 with alanine.
Molecular consequence: missense variant.
Genome position (GRCh38, 1-based): chr17:61,693,468, T>G on the plus strand (A>C on the coding strand, the complement: BRIP1 is on the minus strand). VCF-style: chr17-61693468-T-G. GRCh37 (hg19) VCF-style: chr17-59770829-T-G.
Other names: short protein forms D846A.
Identifiers: ClinVar variation 4842391 (VCV004842391.1).

ClinVar aggregate classification (germline): Uncertain significance (1 of 4 stars; one submission).

Conditions:
Hereditary cancer-predisposing syndrome. Also called: Neoplastic Syndromes, Hereditary; Tumor predisposition; Hereditary Cancer Syndrome; Hereditary neoplastic syndrome. Identifiers: Orphanet 140162, MedGen C0027672, MeSH D009386, MONDO:0015356.

Submission:

Ambry Genetics
Classification: Uncertain significance for Hereditary cancer-predisposing syndrome. Last evaluated: 2025-12-15. Review status: criteria provided, single submitter. Criteria: Ambry Variant Classification Scheme 2023. Collection method: clinical testing. Allele origin: germline.
Comment: The p.D846A variant (also known as c.2537A>C), located in coding exon 17 of the BRIP1 gene, results from an A to C substitution at nucleotide position 2537. The aspartic acid at codon 846 is replaced by alanine, an amino acid with dissimilar properties. This amino acid position is conserved. In addition, this alteration is predicted to be deleterious by in silico analysis. Based on the available evidence, the clinical significance of this variant remains unclear.